The following is an entry in ClinVar:

NM_006218.4(PIK3CA):c.1749G>A (p.Met583Ile)

Gene: PIK3CA (phosphatidylinositol-4,5-bisphosphate 3-kinase catalytic subunit alpha; plus strand). Cytogenetic location: 3q26.32.
Variant type: single nucleotide variant.
Coding change: c.1749G>A on transcript NM_006218.4 (MANE Select); coding-DNA position 1749, G replaced by A.
Protein change: p.Met583Ile; replaces methionine 583 with isoleucine.
Molecular consequence: missense variant.
Genome position (GRCh38, 1-based): chr3:179,219,573, G>A. VCF-style: chr3-179219573-G-A. GRCh37 (hg19) VCF-style: chr3-178937361-G-A.
Other names: short protein forms M583I.
Identifiers: ClinVar variation 999157 (VCV000999157.11), dbSNP rs1302992156, ClinGen allele CA355265763.
Genomic context (GRCh38, chr3:179,219,573, plus strand): 5'-GCTCATTCACAACTATCTTTCCCCTTTAAATATGATTTATTGTCTTTCTCATACACAGAT[G>A]TATTGCTTGGTAAAAGATTGGCCTCCAATCAAACCTGAACAGGCTATGGAACTTCTGGAC-3'
Protein context (NP_006209.2, residues 573-593): KWNSRDEVAQ[Met583Ile]YCLVKDWPPI

ClinVar aggregate classification (germline): Uncertain significance. Review status: criteria provided, multiple submitters, no conflicts (2 of 4 stars). 2 submissions from 2 submitters: Uncertain significance (2). Last evaluated 2021-09-04.

Conditions:
Cowden syndrome (CS). Also called: Cowden's disease; Cowden's syndrome; Cowden disease. Identifiers: Orphanet 201, MedGen C0018553, MONDO:0016063. Disease mechanism: gain of function.
Inborn genetic diseases. Identifiers: MedGen C0950123, MeSH D030342.

Allele frequency attached by ClinVar (database versions not stated): TOPMed below 0.00001; gnomAD 0.00001.
gnomAD v4.1: 1 of 1,383,334 alleles (0.000072%); highest among the groups gnomAD compares: African/African-American, 0.0014%; no homozygotes.

Submissions (2):

Ambry Genetics
Classification: Uncertain significance for Inborn genetic diseases. Last evaluated: 2021-09-04. Review status: criteria provided, single submitter. Criteria: Ambry Variant Classification Scheme 2023. Collection method: clinical testing. Allele origin: germline.
Comment: The p.M583I variant (also known as c.1749G>A), located in coding exon 11 of the PIK3CA gene, results from a G to A substitution at nucleotide position 1749. The methionine at codon 583 is replaced by isoleucine, an amino acid with highly similar properties. This amino acid position is conserved. In addition, this alteration is predicted to be deleterious by in silico analysis. Since supporting evidence is limited at this time, the clinical significance of this alteration remains unclear.

Labcorp Genetics (formerly Invitae), Labcorp
Classification: Uncertain significance for Cowden syndrome. Last evaluated: 2020-07-20. Review status: criteria provided, single submitter. Criteria: Invitae Variant Classification Sherloc (09022015). Collection method: clinical testing. Allele origin: germline.
Comment: This sequence change replaces methionine with isoleucine at codon 583 of the PIK3CA protein (p.Met583Ile). The methionine residue is highly conserved and there is a small physicochemical difference between methionine and isoleucine. This variant is not present in population databases (ExAC no frequency). This variant has not been reported in the literature in individuals with PIK3CA-related conditions. Algorithms developed to predict the effect of missense changes on protein structure and function (SIFT, PolyPhen-2, Align-GVGD) all suggest that this variant is likely to be tolerated, but these predictions have not been confirmed by published functional studies and their clinical significance is uncertain. In summary, the available evidence is currently insufficient to determine the role of this variant in disease. Therefore, it has been classified as a Variant of Uncertain Significance.